The following is an entry in ClinVar:

ClinVar aggregate classification (germline): Uncertain significance (1 of 4 stars; one submission).

Conditions:
Walker-Warburg congenital muscular dystrophy. Also called: Muscular dystrophy-dystroglycanopathy, type A; Walker-Warburg syndrome. Identifiers: Orphanet 899, MedGen C0265221, MONDO:0000171.

Submission:

Labcorp Genetics (formerly Invitae), Labcorp
Classification: Uncertain significance for Walker-Warburg congenital muscular dystrophy. Last evaluated: 2023-11-27. Review status: criteria provided, single submitter. Criteria: Invitae Variant Classification Sherloc (09022015). Collection method: clinical testing. Allele origin: germline.
Comment: This sequence change replaces alanine, which is neutral and non-polar, with glycine, which is neutral and non-polar, at codon 166 of the FKRP protein (p.Ala166Gly). This variant is not present in population databases (gnomAD no frequency). This variant has not been reported in the literature in individuals affected with FKRP-related conditions. Advanced modeling of protein sequence and biophysical properties (such as structural, functional, and spatial information, amino acid conservation, physicochemical variation, residue mobility, and thermodynamic stability) has been performed at Invitae for this missense variant, however the output from this modeling did not meet the statistical confidence thresholds required to predict the impact of this variant on FKRP protein function. In summary, the available evidence is currently insufficient to determine the role of this variant in disease. Therefore, it has been classified as a Variant of Uncertain Significance.

NM_024301.5(FKRP):c.497C>G (p.Ala166Gly)

Gene: FKRP (fukutin related protein; plus strand). Cytogenetic location: 19q13.32.
Variant type: single nucleotide variant.
Coding change: c.497C>G on transcript NM_024301.5 (MANE Select); coding-DNA position 497, C replaced by G.
Protein change: p.Ala166Gly; replaces alanine 166 with glycine.
Molecular consequence: missense variant.
Genome position (GRCh38, 1-based): chr19:46,755,947, C>G. VCF-style: chr19-46755947-C-G. GRCh37 (hg19) VCF-style: chr19-47259204-C-G.
Other names: c.497C>G, p.Ala166Gly (NM_001039885.3); short protein forms A166G.
Identifiers: ClinVar variation 2699153 (VCV002699153.3), dbSNP rs1187841899, ClinGen allele CA406495442.